The following is an entry in ClinVar:

ClinVar aggregate classification (germline): Likely pathogenic (1 of 4 stars; one submission).

Submission:

GeneDx
Classification: Likely pathogenic. Last evaluated: 2026-02-13. Review status: criteria provided, single submitter. Criteria: GeneDx Variant Classification Process June 2021. Collection method: clinical testing. Allele origin: germline.
Comment: Not observed at significant frequency in large population cohorts (gnomAD); In silico analysis supports that this missense variant has a deleterious effect on protein structure/function; Has not been previously published as pathogenic or benign to our knowledge

NM_001967.4(EIF4A2):c.256A>C (p.Thr86Pro)

Gene: EIF4A2 (eukaryotic translation initiation factor 4A2; plus strand). Cytogenetic location: 3q27.3.
Variant type: single nucleotide variant.
Coding change: c.256A>C on transcript NM_001967.4 (MANE Select); coding-DNA position 256, A replaced by C.
Protein change: p.Thr86Pro; replaces threonine 86 with proline.
Molecular consequence: missense variant.
Genome position (GRCh38, 1-based): chr3:186,785,009, A>C. VCF-style: chr3-186785009-A-C. GRCh37 (hg19) VCF-style: chr3-186502798-A-C.
Other names: short protein forms T86P.
Identifiers: ClinVar variation 3364536 (VCV003364536.2).